The following is an entry in ClinVar:

NM_020693.4(DSCAML1):c.4876+3G>T

Gene: DSCAML1 (DS cell adhesion molecule like 1; minus strand). Cytogenetic location: 11q23.3.
Variant type: single nucleotide variant.
Coding change: c.4876+3G>T on transcript NM_020693.4 (MANE Select); 3 bases into the intron after coding-DNA position 4876, G replaced by T.
Molecular consequence: intron variant.
Genome position (GRCh38, 1-based): chr11:117,435,641, C>A on the plus strand (G>T on the coding strand, the complement: DSCAML1 is on the minus strand). VCF-style: chr11-117435641-C-A. GRCh37 (hg19) VCF-style: chr11-117306357-C-A.
Identifiers: ClinVar variation 1471170 (VCV001471170.6), dbSNP rs371905121, ClinGen allele CA6296245.

ClinVar aggregate classification (germline): Uncertain significance (1 of 4 stars; one submission).

Allele frequency attached by ClinVar (database versions not stated): TOPMed 0.00005; ESP Exome Variant Server 0.00008.
gnomAD v4.1: 99 of 1,591,994 alleles (0.0062%); highest among the groups gnomAD compares: Non-Finnish European, 0.0078%; no homozygotes.

Submission:

Labcorp Genetics (formerly Invitae), Labcorp
Classification: Uncertain significance. Last evaluated: 2025-10-18. Review status: criteria provided, single submitter. Criteria: Invitae Variant Classification Sherloc (09022015). Collection method: clinical testing. Allele origin: germline.
Comment: This sequence change falls in intron 27 of the DSCAML1 gene. It does not directly change the encoded amino acid sequence of the DSCAML1 protein. It affects a nucleotide within the consensus splice site. This variant is present in population databases (rs371905121, gnomAD 0.007%). This variant has not been reported in the literature in individuals affected with DSCAML1-related conditions. ClinVar contains an entry for this variant (Variation ID: 1471170). Variants that disrupt the consensus splice site are a relatively common cause of aberrant splicing (PMID: 17576681, 9536098). Algorithms developed to predict the effect of sequence changes on RNA splicing suggest that this variant is not likely to affect RNA splicing. In summary, the available evidence is currently insufficient to determine the role of this variant in disease. Therefore, it has been classified as a Variant of Uncertain Significance.

Literature cited by the submitters: PubMed 17576681; PubMed 9536098.